The following is an entry in ClinVar:

NM_003470.3(USP7):c.46C>T (p.Gln16Ter)

Genes: USP7 (ubiquitin specific peptidase 7; minus strand), USP7-AS1 (USP7 antisense RNA 1; plus strand). Cytogenetic location: 16p13.2.
Variant type: single nucleotide variant.
Coding change: c.46C>T on transcript NM_003470.3 (MANE Select); coding-DNA position 46, C replaced by T.
Protein change: p.Gln16Ter; replaces glutamine 16 with a stop codon.
Molecular consequence: nonsense.
Genome position (GRCh38, 1-based): chr16:8,963,240, G>A on the plus strand (C>T on the coding strand, the complement: USP7 is on the minus strand). VCF-style: chr16-8963240-G-A. GRCh37 (hg19) VCF-style: chr16-9057097-G-A.
Other names: short protein forms Q16*.
Identifiers: ClinVar variation 3467328 (VCV003467328.2).
Genomic context (GRCh38, chr16:8,963,240, plus strand): 5'-CCGCCGCGGCCGGCCCTCGGGCCTCACCTTCCATCTCCATGTCCTCGGGCTCGCTCAACT[G>A]CTGCTCGCCCGCTTTCTGCTGCTGCTGCTGCTGCTGGTGGTTCATGTCGGCCGCGGCCTG-3'

ClinVar aggregate classification (germline): Likely pathogenic (1 of 4 stars; one submission).

Conditions:
Inborn genetic diseases. Identifiers: MedGen C0950123, MeSH D030342.

gnomAD v4.1: 1 of 1,395,504 alleles (0.000072%); highest among the groups gnomAD compares: Non-Finnish European, 0.000094%; no homozygotes.

Submission:

Ambry Genetics
Classification: Likely pathogenic for Inborn genetic diseases. Last evaluated: 2025-09-15. Review status: criteria provided, single submitter. Criteria: Ambry Variant Classification Scheme 2023. Collection method: clinical testing. Allele origin: germline.
Comment: The c.46C>T (p.Q16*) alteration, located in exon 1 (coding exon 1) of the USP7 gene, consists of a C to T substitution at nucleotide position 46. This changes the amino acid from a glutamine (Q) to a stop codon at amino acid position 16. The predicted stop codon occurs in the 5' end of the USP7 gene. Premature termination codons in the 5&rsquo; end of a gene have been reported to escape nonsense-mediated mRNA decay and/or lead to re-initiation (Rivas, 2015; Lindeboom, 2016; Rhee, 2017). Direct evidence for this alteration is unavailable; however, premature termination codons are typically deleterious in nature. The Genome Aggregation Database (gnomAD) data for this variant is unreliable due to technical and/or biological issues; therefore, population frequency estimates were not considered. Based on the available evidence, this alteration is classified as likely pathogenic.

Literature cited by the submitters: PubMed 25954003; PubMed 27618451; PubMed 28490743.